The following is an entry in ClinVar:

NM_000038.6(APC):c.3125G>C (p.Ser1042Thr)

Gene: APC (APC regulator of Wnt signaling pathway; plus strand). Cytogenetic location: 5q22.2.
Variant type: single nucleotide variant.
Coding change: c.3125G>C on transcript NM_000038.6 (MANE Select); coding-DNA position 3125, G replaced by C.
Protein change: p.Ser1042Thr; replaces serine 1042 with threonine.
Molecular consequence: missense variant.
Genome position (GRCh38, 1-based): chr5:112,838,719, G>C. VCF-style: chr5-112838719-G-C. GRCh37 (hg19) VCF-style: chr5-112174416-G-C.
Other names: c.3125G>C, p.Ser1042Thr (NM_001127510.3, NM_001354895.2); c.3071G>C, p.Ser1024Thr (NM_001127511.3); c.3179G>C, p.Ser1060Thr (NM_001354896.2); c.3155G>C, p.Ser1052Thr (NM_001354897.2); c.3050G>C, p.Ser1017Thr (NM_001354898.2); c.3041G>C, p.Ser1014Thr (NM_001354899.2); c.3002G>C, p.Ser1001Thr (NM_001354900.2); c.2948G>C, p.Ser983Thr (NM_001354901.2); and 5 more; short protein forms S1024T, S1042T, S1052T, S1001T, S1017T, S916T, S941T, S1014T.
Identifiers: ClinVar variation 187683 (VCV000187683.24), dbSNP rs786203919, ClinGen allele CA008069.
Genomic context (GRCh38, chr5:112,838,719, plus strand): 5'-ATACACCAATAAATTATAGTCTTAAATATTCAGATGAGCAGTTGAACTCTGGAAGGCAAA[G>C]TCCTTCACAGAATGAAAGATGGGCAAGACCCAAACACATAATAGAAGATGAAATAAAACA-3'
Protein context (NP_000029.2, residues 1032-1052): SDEQLNSGRQ[Ser1042Thr]PSQNERWARP

ClinVar aggregate classification (germline): Uncertain significance. Review status: criteria provided, multiple submitters, no conflicts (2 of 4 stars). 6 submissions from 6 submitters: Uncertain significance (6). Last evaluated 2025-09-10.

Conditions:
Classic or attenuated familial adenomatous polyposis. Identifiers: MedGen CN372698, MONDO:0021057.
Hereditary cancer-predisposing syndrome. Also called: Neoplastic Syndromes, Hereditary; Tumor predisposition; Hereditary Cancer Syndrome; Hereditary neoplastic syndrome. Identifiers: Orphanet 140162, MedGen C0027672, MeSH D009386, MONDO:0015356.
Familial adenomatous polyposis 1 (FAP1). Also called: FAMILIAL ADENOMATOUS POLYPOSIS 1, ATTENUATED; POLYPOSIS, ADENOMATOUS INTESTINAL. Identifiers: MedGen C2713442, MONDO:0021056, OMIM 175100. Disease mechanism: loss of function.

Allele frequency attached by ClinVar (database versions not stated): gnomAD exomes below 0.00001 and 0.00001.
gnomAD v4.1: 16 of 1,614,128 alleles (0.00099%); highest among the groups gnomAD compares: Non-Finnish European, 0.0014%; no homozygotes.

Submissions (6):

Labcorp Genetics (formerly Invitae), Labcorp
Classification: Uncertain significance for Familial adenomatous polyposis 1. Last evaluated: 2025-09-10. Review status: criteria provided, single submitter. Criteria: Invitae Variant Classification Sherloc (09022015). Collection method: clinical testing. Allele origin: germline.
Comment: This sequence change replaces serine, which is neutral and polar, with threonine, which is neutral and polar, at codon 1042 of the APC protein (p.Ser1042Thr). This variant is present in population databases (rs786203919, gnomAD 0.0009%). This variant has not been reported in the literature in individuals affected with APC-related conditions. ClinVar contains an entry for this variant (Variation ID: 187683). Invitae Evidence Modeling of protein sequence and biophysical properties (such as structural, functional, and spatial information, amino acid conservation, physicochemical variation, residue mobility, and thermodynamic stability) indicates that this missense variant is not expected to disrupt APC protein function with a negative predictive value of 95%. In summary, the available evidence is currently insufficient to determine the role of this variant in disease. Therefore, it has been classified as a Variant of Uncertain Significance.

All of Us Research Program, National Institutes of Health
Classification: Uncertain significance for Classic or attenuated familial adenomatous polyposis. Last evaluated: 2024-05-14. Review status: criteria provided, single submitter. Criteria: ACMG Guidelines, 2015. Collection method: clinical testing. Allele origin: germline. Inheritance: Autosomal dominant inheritance. Observed: 1 variant allele, 1 heterozygote.
Comment: This missense variant replaces serine with threonine at codon 1042 of the APC protein. Computational prediction suggests that this variant may not impact protein structure and function (internally defined REVEL score threshold <= 0.5, PMID: 27666373). To our knowledge, functional studies have not been reported for this variant. This variant has not been reported in individuals affected with APC-related disorders in the literature. This variant has been identified in 1/250678 chromosomes in the general population by the Genome Aggregation Database (gnomAD). The available evidence is insufficient to determine the role of this variant in disease conclusively. Therefore, this variant is classified as a Variant of Uncertain Significance.

This study involves interpretation of variants in research participants for the purpose of population health screening. Participant phenotype was not available at the time of variant classification. Additional details can be found in publication PMID: 35346344, PMCID: PMC8962531

Color Diagnostics, LLC DBA Color Health
Classification: Uncertain significance for Hereditary cancer-predisposing syndrome. Last evaluated: 2024-04-17. Review status: criteria provided, single submitter. Criteria: ACMG Guidelines, 2015. Collection method: clinical testing. Allele origin: germline.
Comment: This missense variant replaces serine with threonine at codon 1042 of the APC protein. Computational prediction suggests that this variant may not impact protein structure and function (internally defined REVEL score threshold <= 0.5, PMID: 27666373). To our knowledge, functional studies have not been reported for this variant. This variant has not been reported in individuals affected with APC-related disorders in the literature. This variant has been identified in 1/250678 chromosomes in the general population by the Genome Aggregation Database (gnomAD). The available evidence is insufficient to determine the role of this variant in disease conclusively. Therefore, this variant is classified as a Variant of Uncertain Significance.

Baylor Genetics
Classification: Uncertain significance for Familial adenomatous polyposis 1. Last evaluated: 2023-08-05. Review status: criteria provided, single submitter. Criteria: ACMG Guidelines, 2015. Collection method: clinical testing. Allele origin: unknown.

Ambry Genetics
Classification: Uncertain significance for Hereditary cancer-predisposing syndrome. Last evaluated: 2020-06-25. Review status: criteria provided, single submitter. Criteria: Ambry Variant Classification Scheme 2023. Collection method: clinical testing. Allele origin: germline.
Comment: The p.S1042T variant (also known as c.3125G>C), located in coding exon 15 of the APC gene, results from a G to C substitution at nucleotide position 3125. The serine at codon 1042 is replaced by threonine, an amino acid with similar properties. This amino acid position is highly conserved in available vertebrate species. In addition, in silico predictors for this gene do not accurately predict pathogenicity. Since supporting evidence is limited at this time, the clinical significance of this alteration remains unclear.

Women's Health and Genetics/Laboratory Corporation of America, LabCorp
Classification: Uncertain significance. Last evaluated: 2018-10-12. Review status: criteria provided, single submitter. Criteria: LabCorp Variant Classification Summary - May 2015. Collection method: clinical testing. Allele origin: germline.
Comment: Variant summary: APC c.3125G>C (p.Ser1042Thr) results in a conservative amino acid change in the encoded protein sequence. Three of five in-silico tools predict a damaging effect of the variant on protein function. The variant allele was found at a frequency of 4.1e-06 in 245474 control chromosomes. The available data on variant occurrences in the general population are insufficient to allow any conclusion about variant significance. To our knowledge, no occurrence of c.3125G>C in individuals affected with Familial Adenomatous Polyposis and no experimental evidence demonstrating its impact on protein function have been reported. One clinical diagnostic laboratory has submitted clinical-significance assessments for this variant to ClinVar after 2014 without evidence for independent evaluation and classified the variant as uncertain significance. Based on the evidence outlined above, the variant was classified as uncertain significance.